The following is an entry in ClinVar:

ClinVar aggregate classification (germline): Pathogenic/Likely pathogenic. Review status: criteria provided, multiple submitters, no conflicts (2 of 4 stars). 2 submissions from 2 submitters: Pathogenic (1); Likely pathogenic (1). Last evaluated 2025-01-09.

Conditions:
Osteogenesis imperfecta type 8 (OI8). Identifiers: MedGen C1970458, MONDO:0012581, OMIM 610915.

Submissions (2):

Labcorp Genetics (formerly Invitae), Labcorp
Classification: Pathogenic for Osteogenesis imperfecta type 8. Last evaluated: 2025-01-09. Review status: criteria provided, single submitter. Criteria: Invitae Variant Classification Sherloc (09022015). Collection method: clinical testing. Allele origin: germline.
Comment: This sequence change creates a premature translational stop signal (p.Tyr306Ilefs*31) in the P3H1 gene. It is expected to result in an absent or disrupted protein product. Loss-of-function variants in P3H1 are known to be pathogenic (PMID: 17277775, 18566967, 19088120, 22281939). This variant is not present in population databases (gnomAD no frequency). This variant has not been reported in the literature in individuals affected with P3H1-related conditions. ClinVar contains an entry for this variant (Variation ID: 1526256). For these reasons, this variant has been classified as Pathogenic.

3billion
Classification: Likely pathogenic for Osteogenesis imperfecta type 8. Last evaluated: 2022-03-22. Review status: criteria provided, single submitter. Criteria: ACMG Guidelines, 2015. Collection method: clinical testing. Allele origin: germline. Affected: yes. Observed: 1 heterozygote.
Comment: Frameshift: predicted to result in a loss or disruption of normal protein function through nonsense-mediated decay (NMD) or protein truncation. Multiple pathogenic variants are reported downstream of the variant.It is not observed in the gnomAD v2.1.1 dataset. Therefore, this variant is classified as likely pathogenic according to the recommendation of ACMG/AMP guideline.

Literature cited by the submitters: PubMed 17277775 (cited by Labcorp Genetics (formerly Invitae), Labcorp); PubMed 18566967 (cited by Labcorp Genetics (formerly Invitae), Labcorp); PubMed 19088120 (cited by Labcorp Genetics (formerly Invitae), Labcorp); PubMed 22281939 (cited by Labcorp Genetics (formerly Invitae), Labcorp).

NM_022356.4(P3H1):c.916del (p.Tyr306fs)

Gene: P3H1 (prolyl 3-hydroxylase 1; minus strand). Cytogenetic location: 1p34.2.
Variant type: Deletion.
Coding change: c.916del on transcript NM_022356.4 (MANE Select); coding-DNA position 916, one base deleted (T; older notation c.916delT).
Protein change: p.Tyr306fs; shifts the reading frame from tyrosine 306.
Molecular consequence: frameshift variant.
Genome position (GRCh38, 1-based): chr1:42,758,876, A deleted on the plus strand (T on the coding strand, the reverse complement: P3H1 is on the minus strand); the first of 2 consecutive A bases (chr1:42,758,876-42,758,877); deleting either gives the same sequence. VCF-style (leftmost placement, unchanged base first): chr1-42758875-TA-T. GRCh37 (hg19) VCF-style: chr1-43224546-TA-T.
Other names: c.916del, p.Tyr306fs (NM_001146289.2, NM_001243246.2); short protein forms Y306fs.
Identifiers: ClinVar variation 1526256 (VCV001526256.3), dbSNP rs2124140276, ClinGen allele CA2573132275.
Genomic context (GRCh38, chr1:42,758,875, plus strand): 5'-TAGCCAGCAGAGAAAGAGGAAGGAAAGTAGGCCTTACTGTTATAGTAGGCAAACTGCAGA[TA>T]ATTATAATGCGATGGGAGGAAGTCTTCAAAGGGCTTCTCTCGACTTGGGTGGGAAGCAAG-3'